The following is an entry in ClinVar:

ClinVar aggregate classification (germline): Uncertain significance (1 of 4 stars; one submission).

Conditions:
Mitochondrial DNA depletion syndrome 13. Also called: FBXL4-Related Encephalomyopathic Mitochondrial DNA Depletion Syndrome; Mitochondrial DNA depletion syndrome 13 (encephalomyopathic type). Identifiers: Orphanet 369897, MedGen C3809592, MONDO:0014198, OMIM 615471.

Allele frequency attached by ClinVar (database versions not stated): gnomAD exomes 0.00002 and 0.00001; ExAC 0.00003.
gnomAD v4.1: 9 of 1,614,074 alleles (0.00056%); highest among the groups gnomAD compares: Non-Finnish European, 0.00068%; no homozygotes.

Submission:

Wong Mito Lab, Molecular and Human Genetics, Baylor College of Medicine
Classification: Uncertain significance for Mitochondrial DNA depletion syndrome 13. Last evaluated: 2017-08-10. Review status: criteria provided, single submitter. Criteria: ACMG Guidelines, 2015. Collection method: reference population. Allele origin: germline.
Comment: The NM_012160.4:c.730A>G (NP_036292.2:p.Asn244Asp) [GRCH38: NC_000006.12:g.98917502T>C] variant in FBXL4 gene is interpretated to be a Uncertain Significance - Conflicting Evidence based on ACMG guidelines (PMID: 25741868). This variant meets one or more of the following evidence codes reported in the ACMG-guideline. PM2:This variant is absent in key population databases. BP4:Computational evidence/predictors indicate no impact on the FBXL4 structure, function, or protein-protein interaction. Based on this evidence code ClinGen Pathogenicity Calculator (PMID:28081714) suggested that the variant is Uncertain Significance - Conflicting Evidence.

NM_001278716.2(FBXL4):c.730A>G (p.Asn244Asp)

Gene: FBXL4 (F-box and leucine rich repeat protein 4; minus strand). Cytogenetic location: 6q16.2.
Variant type: single nucleotide variant.
Coding change: c.730A>G on transcript NM_001278716.2 (MANE Select); coding-DNA position 730, A replaced by G.
Protein change: p.Asn244Asp; replaces asparagine 244 with aspartic acid.
Molecular consequence: missense variant.
Genome position (GRCh38, 1-based): chr6:98,917,502, T>C on the plus strand (A>G on the coding strand, the complement: FBXL4 is on the minus strand). VCF-style: chr6-98917502-T-C. GRCh37 (hg19) VCF-style: chr6-99365378-T-C.
Other names: c.730A>G, p.Asn244Asp (NM_012160.5); short protein forms N244D.
Identifiers: ClinVar variation 437622 (VCV000437622.1), dbSNP rs771854304, ClinGen allele CA3933630.
Genomic context (GRCh38, chr6:98,917,502, plus strand): 5'-TGTTAAGACTGTCCATTCCACAACCATCCTTTTCTGCATAGGCATCATCTTCTATATCAT[T>C]CATGTCAATAAGTGAAGTCTTGAGAGAAAGCACTGGCTTGTCCTTCACACCATGTAGCAC-3'
Protein context (NP_001265645.1, residues 234-254): LSLKTSLIDM[Asn244Asp]DIEDDAYAEK